The following is an entry in ClinVar:

ClinVar aggregate classification (germline): Uncertain significance (1 of 4 stars; one submission).

Conditions:
Left-right axis malformations. Identifiers: MedGen C1866091.

Submission:

Labcorp Genetics (formerly Invitae), Labcorp
Classification: Uncertain significance for Left-right axis malformations. Last evaluated: 2021-11-01. Review status: criteria provided, single submitter. Criteria: Invitae Variant Classification Sherloc (09022015). Collection method: clinical testing. Allele origin: germline.
Comment: In summary, the available evidence is currently insufficient to determine the role of this variant in disease. Therefore, it has been classified as a Variant of Uncertain Significance. Algorithms developed to predict the effect of missense changes on protein structure and function are either unavailable or do not agree on the potential impact of this missense change (SIFT: "Deleterious"; PolyPhen-2: "Probably Damaging"; Align-GVGD: "Class C0"). This variant has not been reported in the literature in individuals affected with LEFTY2-related conditions. This variant is not present in population databases (gnomAD no frequency). This sequence change replaces glycine, which is neutral and non-polar, with arginine, which is basic and polar, at codon 333 of the LEFTY2 protein (p.Gly333Arg).

NM_003240.5(LEFTY2):c.997G>A (p.Gly333Arg)

Gene: LEFTY2 (left-right determination factor 2; minus strand). Cytogenetic location: 1q42.12.
Variant type: single nucleotide variant.
Coding change: c.997G>A on transcript NM_003240.5 (MANE Select); coding-DNA position 997, G replaced by A.
Protein change: p.Gly333Arg; replaces glycine 333 with arginine.
Molecular consequence: missense variant.
Genome position (GRCh38, 1-based): chr1:225,937,545, C>T on the plus strand (G>A on the coding strand, the complement: LEFTY2 is on the minus strand). VCF-style: chr1-225937545-C-T. GRCh37 (hg19) VCF-style: chr1-226125245-C-T.
Other names: c.895G>A, p.Gly299Arg (NM_001172425.3); short protein forms G333R, G299R.
Identifiers: ClinVar variation 1486073 (VCV001486073.6), dbSNP rs2102681121, ClinGen allele CA345012907.